The following is an entry in ClinVar:

NM_003722.5(TP63):c.383C>T (p.Ser128Phe)

Gene: TP63 (tumor protein p63; plus strand). Cytogenetic location: 3q28.
Variant type: single nucleotide variant.
Coding change: c.383C>T on transcript NM_003722.5 (MANE Select); coding-DNA position 383, C replaced by T.
Protein change: p.Ser128Phe; replaces serine 128 with phenylalanine.
Molecular consequence: missense variant. On other transcripts: intron variant (2).
Genome position (GRCh38, 1-based): chr3:189,808,330, C>T. VCF-style: chr3-189808330-C-T. GRCh37 (hg19) VCF-style: chr3-189526119-C-T.
Other names: c.383C>T, p.Ser128Phe (NM_001114978.2, NM_001114979.2, NM_001329144.2 and 1 more transcripts); c.101C>T, p.Ser34Phe (NM_001114980.2, NM_001114981.2, NM_001114982.2 and 2 more transcripts); c.377C>T, p.Ser126Phe (NM_001329964.2); c.42+18488C>T (NM_001329146.2, NM_001329150.2); short protein forms S126F, S128F, S34F.
Identifiers: ClinVar variation 1328849 (VCV001328849.2), dbSNP rs2108637329, ClinGen allele CA355750446.

ClinVar aggregate classification (germline): Uncertain significance (1 of 4 stars; one submission).

Allele frequency attached by ClinVar (database versions not stated): gnomAD exomes below 0.00001.
gnomAD v4.1: 1 of 1,614,202 alleles (0.000062%); highest among the groups gnomAD compares: Non-Finnish European, 0.000085%; no homozygotes.

Submission:

GeneDx
Classification: Uncertain significance. Last evaluated: 2021-06-15. Review status: criteria provided, single submitter. Criteria: GeneDx Variant Classification Process June 2021. Collection method: clinical testing. Allele origin: germline. Affected: yes.
Comment: Not observed at significant frequency in large population cohorts (Lek et al., 2016); In silico analysis supports that this missense variant has a deleterious effect on protein structure/function; Has not been previously published as pathogenic or benign to our knowledge; This variant is associated with the following publications: (PMID: 27535533)